The following is an entry in ClinVar:

ClinVar aggregate classification (germline): Uncertain significance (1 of 4 stars; one submission).

Conditions:
Inborn genetic diseases. Identifiers: MedGen C0950123, MeSH D030342.

Submission:

Ambry Genetics
Classification: Uncertain significance for Inborn genetic diseases. Last evaluated: 2025-02-26. Review status: criteria provided, single submitter. Criteria: Ambry Variant Classification Scheme 2023. Collection method: clinical testing. Allele origin: germline.
Comment: The p.K98N variant (also known as c.294A>T), located in coding exon 3 of the PAX5 gene, results from an A to T substitution at nucleotide position 294. The lysine at codon 98 is replaced by asparagine, an amino acid with similar properties. This amino acid position is conserved. In addition, the in silico prediction for this alteration is inconclusive. Based on the available evidence, the clinical significance of this variant remains unclear.

NM_016734.3(PAX5):c.294A>T (p.Lys98Asn)

Gene: PAX5 (paired box 5; minus strand). Cytogenetic location: 9p13.2.
Variant type: single nucleotide variant.
Coding change: c.294A>T on transcript NM_016734.3 (MANE Select); coding-DNA position 294, A replaced by T.
Protein change: p.Lys98Asn; replaces lysine 98 with asparagine.
Molecular consequence: missense variant. On other transcripts: 5 prime UTR variant (2), non-coding transcript variant (2), intron variant (1).
Genome position (GRCh38, 1-based): chr9:37,015,113, T>A on the plus strand (A>T on the coding strand, the complement: PAX5 is on the minus strand). VCF-style: chr9-37015113-T-A. GRCh37 (hg19) VCF-style: chr9-37015110-T-A.
Other names: c.294A>T, p.Lys98Asn (NM_001280547.2, NM_001280548.2, NM_001280549.2 and 4 more transcripts); c.-31A>T (NM_001280551.2, NM_001280556.2); c.212+5523A>T (NM_001280555.2); short protein forms K98N.
Identifiers: ClinVar variation 3885966 (VCV003885966.1).